The following is an entry in ClinVar:

NM_000271.5(NPC1):c.3259T>C (p.Phe1087Leu)

Gene: NPC1 (NPC intracellular cholesterol transporter 1; minus strand). Cytogenetic location: 18q11.2.
Variant type: single nucleotide variant.
Coding change: c.3259T>C on transcript NM_000271.5 (MANE Select); coding-DNA position 3259, T replaced by C.
Protein change: p.Phe1087Leu; replaces phenylalanine 1087 with leucine.
Molecular consequence: missense variant.
Genome position (GRCh38, 1-based): chr18:23,535,687, A>G on the plus strand (T>C on the coding strand, the complement: NPC1 is on the minus strand). VCF-style: chr18-23535687-A-G. GRCh37 (hg19) VCF-style: chr18-21115651-A-G.
Other names: short protein forms F1087L.
Identifiers: ClinVar variation 555143 (VCV000555143.15), dbSNP rs746715353, ClinGen allele CA297079275.
Genomic context (GRCh38, chr18:23,535,687, plus strand): 5'-CCAGGGACACACCGAGGTTGAAGATAGTGTCGTCAATGATGGTCAGGTACTGTTCGTAGA[A>G]GACATAAAACACACTGGAGGGGAGAGGGGAGGCCTCATTAAAGCTCGCTCTCACTCCCGA-3'
Protein context (NP_000262.2, residues 1077-1097): RVFPYSVFYV[Phe1087Leu]YEQYLTIIDD

ClinVar aggregate classification (germline): Pathogenic/Likely pathogenic. Review status: criteria provided, multiple submitters, no conflicts (2 of 4 stars). 5 submissions from 5 submitters: Pathogenic (1); Likely pathogenic (3). 1 of the submissions does not count toward it. Last evaluated 2025-04-23.

Conditions:
Niemann-Pick disease, type C (NPC). Identifiers: Orphanet 646, MedGen C0220756, MONDO:0018982.
Niemann-Pick disease, type C1. Also called: NEUROVISCERAL STORAGE DISEASE WITH VERTICAL SUPRANUCLEAR OPHTHALMOPLEGIA; NIEMANN-PICK DISEASE WITH CHOLESTEROL ESTERIFICATION BLOCK; NIEMANN-PICK DISEASE WITHOUT SPHINGOMYELINASE DEFICIENCY; NIEMANN-PICK DISEASE, CHRONIC NEURONOPATHIC FORM; NIEMANN-PICK DISEASE, VARIANT TYPE C1. Identifiers: Orphanet 646, MedGen C3179455, MONDO:0009757, OMIM 257220.

Allele frequency attached by ClinVar (database versions not stated): gnomAD 0.00001; TOPMed 0.00001; gnomAD exomes 0.00002.
gnomAD v4.1: 28 of 1,613,332 alleles (0.0017%); highest among the groups gnomAD compares: African/African-American, 0.0027%; no homozygotes.

Submissions (5):

Natera, Inc.
Classification: Likely pathogenic for Niemann-Pick disease type C1. Last evaluated: 2025-04-23. Review status: criteria provided, single submitter. Criteria: Natera Variant Classification Schema (03/2026). Collection method: clinical testing. Allele origin: germline.
Comment: The c.3259T>C variant in NPC1 is a missense variant predicted to cause substitution of phenylalanine to leucine at amino acid 1087. This variant is rare in the general population with a frequency below the threshold expected for the associated phenotype(s). This variant has been observed in one or more individuals affected with the associated recessive disease, as either homozygous or compound heterozygous with a second variant (PMID: 25349751, 26666848, 37577678). Computational prediction algorithms indicate this variant is likely to affect gene or protein function. Given the available evidence, this variant is classified as Likely Pathogenic.

Labcorp Genetics (formerly Invitae), Labcorp
Classification: Pathogenic for Niemann-Pick disease, type C1. Last evaluated: 2024-03-16. Review status: criteria provided, single submitter. Criteria: Invitae Variant Classification Sherloc (09022015). Collection method: clinical testing. Allele origin: germline.
Comment: This sequence change replaces phenylalanine, which is neutral and non-polar, with leucine, which is neutral and non-polar, at codon 1087 of the NPC1 protein (p.Phe1087Leu). This variant is not present in population databases (gnomAD no frequency). This missense change has been observed in individuals with Niemann-Pick type C disease (PMID: 25349751, 26666848). ClinVar contains an entry for this variant (Variation ID: 555143). Advanced modeling of protein sequence and biophysical properties (such as structural, functional, and spatial information, amino acid conservation, physicochemical variation, residue mobility, and thermodynamic stability) performed at Invitae indicates that this missense variant is expected to disrupt NPC1 protein function with a positive predictive value of 95%. Experimental studies have shown that this missense change affects NPC1 function (PMID: 16138904). For these reasons, this variant has been classified as Pathogenic.

GeneDx
Classification: Likely pathogenic. Last evaluated: 2024-01-04. Review status: criteria provided, single submitter. Criteria: GeneDx Variant Classification Process June 2021. Collection method: clinical testing. Allele origin: germline. Affected: yes.
Comment: Not observed at significant frequency in large population cohorts (gnomAD); In silico analysis supports that this missense variant has a deleterious effect on protein structure/function; This variant is associated with the following publications: (PMID: 32544384, 16138904, 34296265, 25349751, 12955717, 26666848)

Women's Health and Genetics/Laboratory Corporation of America, LabCorp
Classification: Likely pathogenic for Niemann-Pick disease, type C. Last evaluated: 2023-08-07. Review status: criteria provided, single submitter. Criteria: LabCorp Variant Classification Summary - May 2015. Collection method: clinical testing. Allele origin: germline.
Comment: Variant summary: NPC1 c.3259T>C (p.Phe1087Leu) results in a non-conservative amino acid change in the encoded protein sequence. Five of five in-silico tools predict a damaging effect of the variant on protein function. The variant was absent in 251106 control chromosomes (gnomAD v2 Exomes dataset). c.3259T>C has been reported in the literature in several compound heterozygous individuals affected with Niemann-Pick Disease Type C (e.g., Park_2003, Pina-Aguilar_2014, Imrie_2015, Rodriguez-Gil_2021). These data indicate that the variant may be associated with disease. At least two publications report experimental evidence evaluating an impact on protein function, finding that the variant was unable to revert edelfosine resistance and Western blotting revealed a severe defect in protein expression in a yeast model (Berger_2005); cholesterol accumulation was also increased approximately 10-fold in another in vitro model relative to wildtype (Qian_2020). The following publications have been ascertained in the context of this evaluation (PMID: 16138904, 26666848, 12955717, 25349751, 34296265, 32544384). Two submitters have reported clinical-significance assessments for this variant to ClinVar after 2014. All submitters classified the variant as pathogenic/likely pathogenic. Based on the evidence outlined above, the variant was classified as likely pathogenic.

Counsyl
Classification: Likely pathogenic for Niemann-Pick disease, type C1. Last evaluated: 2017-11-17. Review status: no assertion criteria provided. Collection method: clinical testing. Allele origin: unknown. Not counted in ClinVar's aggregate classification.

Literature cited by the submitters: PubMed 25349751 (cited by 4 submitters); PubMed 26666848 (cited by 4 submitters); PubMed 37577678 (cited by Natera, Inc.); PubMed 16138904 (cited by 3 submitters); PubMed 12955717 (cited by Women's Health and Genetics/Laboratory Corporation of America, LabCorp and Counsyl); PubMed 32544384 (cited by Women's Health and Genetics/Laboratory Corporation of America, LabCorp); PubMed 34296265 (cited by Women's Health and Genetics/Laboratory Corporation of America, LabCorp).